The following is an entry in ClinVar:

ClinVar aggregate classification (germline): Uncertain significance (1 of 4 stars; one submission).

Conditions:
Pitt-Hopkins-like syndrome 2 (PTHSL2). Identifiers: Orphanet 221150, Orphanet 600663, MedGen C3280479, MONDO:0013690, OMIM 614325.

Submission:

Labcorp Genetics (formerly Invitae), Labcorp
Classification: Uncertain significance for Pitt-Hopkins-like syndrome 2. Last evaluated: 2020-12-10. Review status: criteria provided, single submitter. Criteria: Invitae Variant Classification Sherloc (09022015). Collection method: clinical testing. Allele origin: germline.
Comment: In summary, the available evidence is currently insufficient to determine the role of this variant in disease. Therefore, it has been classified as a Variant of Uncertain Significance. Experimental studies and prediction algorithms are not available or were not evaluated, and the functional significance of this variant is currently unknown. This variant has not been reported in the literature in individuals with NRXN1-related conditions. This variant is a gross deletion of the genomic region encompassing exon(s) 3 of the NRXN1 gene. This variant would be expected to be in-frame, preserving the integrity of the reading frame.

NC_000002.11:g.(?_51253489)_(51253627_?)del

Gene: NRXN1 (neurexin 1; minus strand). Cytogenetic location: 2p16.3.
Variant type: Deletion.
Identifiers: ClinVar variation 1511398 (VCV001511398.6).